The following is an entry in ClinVar:

ClinVar aggregate classification (germline): Likely benign. Review status: criteria provided, multiple submitters, no conflicts (2 of 4 stars). 2 submissions from 2 submitters: Likely benign (2). Last evaluated 2025-02-01.

Allele frequency attached by ClinVar (database versions not stated): ExAC 0.00002; gnomAD exomes 0.00002; gnomAD 0.00003.
gnomAD v4.1: 36 of 1,609,786 alleles (0.0022%); highest among the groups gnomAD compares: Middle Eastern, 0.016%; no homozygotes.

Submissions (2):

CeGaT Center for Human Genetics Tuebingen
Classification: Likely benign. Last evaluated: 2025-02-01. Review status: criteria provided, single submitter. Criteria: CeGaT Center For Human Genetics Tuebingen Variant Classification Criteria Version 2. Collection method: clinical testing. Allele origin: germline. Affected: yes. Observed: 1 variant allele.
Comment: KMT2E: BP4, BP7

Labcorp Genetics (formerly Invitae), Labcorp
Classification: Likely benign. Last evaluated: 2024-04-11. Review status: criteria provided, single submitter. Criteria: Invitae Variant Classification Sherloc (09022015). Collection method: clinical testing. Allele origin: germline.

NM_182931.3(KMT2E):c.5163G>A (p.Pro1721=)

Gene: KMT2E (lysine methyltransferase 2E (inactive); plus strand). Cytogenetic location: 7q22.3.
Variant type: single nucleotide variant.
Coding change: c.5163G>A on transcript NM_182931.3 (MANE Select); coding-DNA position 5163, G replaced by A.
Protein change: p.Pro1721=; no amino-acid change (proline 1721 retained).
Molecular consequence: synonymous variant.
Genome position (GRCh38, 1-based): chr7:105,112,919, G>A. VCF-style: chr7-105112919-G-A. GRCh37 (hg19) VCF-style: chr7-104753366-G-A.
Other names: c.5037G>A, p.Pro1679= (NM_001410908.1); c.5163G>A, p.Pro1721= (NM_018682.4).
Identifiers: ClinVar variation 2956254 (VCV002956254.16), dbSNP rs531981161, ClinGen allele CA4424927.